The following is an entry in ClinVar:

NM_001267550.2(TTN):c.5001T>G (p.Tyr1667Ter)

Gene: TTN (titin; minus strand). Cytogenetic location: 2q31.2.
Variant type: single nucleotide variant.
Coding change: c.5001T>G on transcript NM_001267550.2 (MANE Select); coding-DNA position 5001, T replaced by G.
Protein change: p.Tyr1667Ter; replaces tyrosine 1667 with a stop codon.
Molecular consequence: nonsense.
Genome position (GRCh38, 1-based): chr2:178,776,863, A>C on the plus strand (T>G on the coding strand, the complement: TTN is on the minus strand). VCF-style: chr2-178776863-A-C. GRCh37 (hg19) VCF-style: chr2-179641590-A-C.
Other names: c.5001T>G, p.Tyr1667Ter (NM_001256850.1, NM_133378.4, NM_133379.5); c.4863T>G, p.Tyr1621Ter (NM_003319.4, NM_133432.3, NM_133437.4); short protein forms Y1621*, Y1667*.
Identifiers: ClinVar variation 2936403 (VCV002936403.3), dbSNP rs540957547, ClinGen allele CA349458051.

ClinVar aggregate classification (germline): Uncertain significance (1 of 4 stars; one submission).

Conditions:
Dilated cardiomyopathy 1G (CMD1G). Identifiers: Orphanet 154, MedGen C1858763, MONDO:0011400, OMIM 604145.
Autosomal recessive limb-girdle muscular dystrophy type 2J (LGMDR10). Also called: Limb-girdle muscular dystrophy, type 2J; MUSCULAR DYSTROPHY, LIMB-GIRDLE, AUTOSOMAL RECESSIVE 10. Identifiers: Orphanet 140922, MedGen C1837342, MONDO:0012127, OMIM 608807.

Submission:

Labcorp Genetics (formerly Invitae), Labcorp
Classification: Uncertain significance for Dilated cardiomyopathy 1G; Autosomal recessive limb-girdle muscular dystrophy type 2J. Last evaluated: 2023-06-23. Review status: criteria provided, single submitter. Criteria: Invitae Variant Classification Sherloc (09022015). Collection method: clinical testing. Allele origin: germline.
Comment: This variant is located in the Z band of TTN (PMID: 25589632). Variants in this region may be clinically relevant, but have not been definitively shown to cause cardiomyopathy or neuromuscular disease (PMID: 27493940, 32778822). In summary, the available evidence is currently insufficient to determine the role of this variant in disease. Therefore, it has been classified as a Variant of Uncertain Significance. This variant has not been reported in the literature in individuals affected with TTN-related conditions. This variant is not present in population databases (gnomAD no frequency). This sequence change creates a premature translational stop signal (p.Tyr1667*) in the TTN gene. While this is not anticipated to result in nonsense mediated decay, it is expected to create a truncated TTN protein.

Literature cited by the submitters: PubMed 25589632; PubMed 27493940; PubMed 32778822.